The following is an entry in ClinVar:

ClinVar aggregate classification (germline): Uncertain significance (1 of 4 stars; one submission).

Conditions:
Intellectual disability, autosomal dominant 11. Identifiers: MedGen C3280285, MONDO:0013658, OMIM 614257.

Submission:

3billion
Classification: Uncertain significance for Intellectual disability, autosomal dominant 11. Last evaluated: 2024-12-31. Review status: criteria provided, single submitter. Criteria: ACMG Guidelines, 2015. Collection method: clinical testing. Allele origin: germline. Affected: yes.
Comment: The variant is not observed in the gnomAD v4.1.0 dataset. Predicted Consequence/Location: Missense variant. Missense changes are a common disease-causing mechanism. In silico tool predictions suggest damaging effect of the variant on gene or gene product [REVEL: 0.82 (>=0.6, sensitivity 0.68 and specificity 0.92); 3Cnet: 0.63 (>=0.6, sensitivity 0.72 and precision 0.9)]. Therefore, this variant is classified as VUS according to the recommendation of ACMG/AMP guideline.

NM_012156.2(EPB41L1):c.674G>A (p.Gly225Asp)

Gene: EPB41L1 (erythrocyte membrane protein band 4.1 like 1; plus strand). Cytogenetic location: 20q11.23.
Variant type: single nucleotide variant.
Coding change: c.674G>A on transcript NM_012156.2 (MANE Select); coding-DNA position 674, G replaced by A.
Protein change: p.Gly225Asp; replaces glycine 225 with aspartic acid.
Molecular consequence: missense variant.
Genome position (GRCh38, 1-based): chr20:36,185,224, G>A. VCF-style: chr20-36185224-G-A. GRCh37 (hg19) VCF-style: chr20-34773146-G-A.
Other names: c.674G>A, p.Gly225Asp (NM_001258329.1, NM_001424382.1, NM_001424383.1 and 14 more transcripts); c.581G>A, p.Gly194Asp (NM_001258330.1); c.488G>A, p.Gly163Asp (NM_001258331.2, NM_001424373.1, NM_001424374.1 and 19 more transcripts); short protein forms G163D, G194D, G225D.
Identifiers: ClinVar variation 4292855 (VCV004292855.1).